The following is an entry in ClinVar:

ClinVar aggregate classification (germline): Uncertain significance (1 of 4 stars; one submission).

gnomAD v4.1: 1 of 1,518,884 alleles (0.000066%); highest among the groups gnomAD compares: Non-Finnish European, 0.000088%; no homozygotes.

Submission:

Labcorp Genetics (formerly Invitae), Labcorp
Classification: Uncertain significance. Last evaluated: 2020-04-23. Review status: criteria provided, single submitter. Criteria: Invitae Variant Classification Sherloc (09022015). Collection method: clinical testing. Allele origin: germline.
Comment: This sequence change replaces glycine with alanine at codon 54 of the RETREG1 protein (p.Gly54Ala). The glycine residue is weakly conserved and there is a small physicochemical difference between glycine and alanine. The frequency data for this variant in the population databases is considered unreliable, as metrics indicate insufficient coverage at this position in the ExAC database. This variant has not been reported in the literature in individuals with RETREG1-related conditions. In summary, the available evidence is currently insufficient to determine the role of this variant in disease. Therefore, it has been classified as a Variant of Uncertain Significance.

NM_001034850.3(RETREG1):c.161G>C (p.Gly54Ala)

Genes: RETREG1 (reticulophagy regulator 1; minus strand), RETREG1-AS1 (RETREG1 antisense RNA 1; plus strand), LOC129993734 (ATAC-STARR-seq lymphoblastoid silent region 15947; plus strand). Cytogenetic location: 5p15.1.
Variant type: single nucleotide variant.
Coding change: c.161G>C on transcript NM_001034850.3 (MANE Select); coding-DNA position 161, G replaced by C.
Protein change: p.Gly54Ala; replaces glycine 54 with alanine.
Molecular consequence: missense variant.
Genome position (GRCh38, 1-based): chr5:16,616,811, C>G on the plus strand (G>C on the coding strand, the complement: RETREG1 is on the minus strand). VCF-style: chr5-16616811-C-G. GRCh37 (hg19) VCF-style: chr5-16616920-C-G.
Other names: short protein forms G54A.
Identifiers: ClinVar variation 1043827 (VCV001043827.9), dbSNP rs1743528524, ClinGen allele CA359292884.